The following is an entry in ClinVar:

ClinVar aggregate classification (germline): Uncertain significance (1 of 4 stars; one submission).

Conditions:
Charcot-Marie-Tooth disease axonal type 2O. Also called: CHARCOT-MARIE-TOOTH NEUROPATHY, AXONAL, TYPE 2O; CHARCOT-MARIE-TOOTH DISEASE, AXONAL, AUTOSOMAL DOMINANT, TYPE 2O; Charcot-Marie-Tooth Neuropathy Type 2O; Charcot-Marie-Tooth disease, axonal, type 20. Identifiers: Orphanet 284232, MedGen C3280220, MONDO:0013644, OMIM 614228.

Submission:

Labcorp Genetics (formerly Invitae), Labcorp
Classification: Uncertain significance for Charcot-Marie-Tooth disease axonal type 2O. Last evaluated: 2024-10-24. Review status: criteria provided, single submitter. Criteria: Invitae Variant Classification Sherloc (09022015). Collection method: clinical testing. Allele origin: germline.
Comment: This sequence change replaces arginine, which is basic and polar, with leucine, which is neutral and non-polar, at codon 4271 of the DYNC1H1 protein (p.Arg4271Leu). This variant is not present in population databases (gnomAD no frequency). This variant has not been reported in the literature in individuals affected with DYNC1H1-related conditions. ClinVar contains an entry for this variant (Variation ID: 1974660). Invitae Evidence Modeling of protein sequence and biophysical properties (such as structural, functional, and spatial information, amino acid conservation, physicochemical variation, residue mobility, and thermodynamic stability) indicates that this missense variant is not expected to disrupt DYNC1H1 protein function with a negative predictive value of 95%. In summary, the available evidence is currently insufficient to determine the role of this variant in disease. Therefore, it has been classified as a Variant of Uncertain Significance.

NM_001376.5(DYNC1H1):c.12812G>T (p.Arg4271Leu)

Gene: DYNC1H1 (dynein cytoplasmic 1 heavy chain 1; plus strand). Cytogenetic location: 14q32.31.
Variant type: single nucleotide variant.
Coding change: c.12812G>T on transcript NM_001376.5 (MANE Select); coding-DNA position 12812, G replaced by T.
Protein change: p.Arg4271Leu; replaces arginine 4271 with leucine.
Molecular consequence: missense variant.
Genome position (GRCh38, 1-based): chr14:102,044,401, G>T. VCF-style: chr14-102044401-G-T. GRCh37 (hg19) VCF-style: chr14-102510738-G-T.
Other names: short protein forms R4271L.
Identifiers: ClinVar variation 1974660 (VCV001974660.5), dbSNP rs1434208432, ClinGen allele CA391044041.
Genomic context (GRCh38, chr14:102,044,401, plus strand): 5'-TTTATGGCGGGCGCGTGGACAACGAGTTTGACCAGCGTCTGCTCAACACCTTCCTGGAGC[G>T]CCTGTTCACAACCAGGAGTTTCGACAGTGAGTTTAAGCTGGCATGCAAGGTCGACGGACA-3'
Protein context (NP_001367.2, residues 4261-4281): DQRLLNTFLE[Arg4271Leu]LFTTRSFDSE